The following is an entry in ClinVar:

NM_182978.4(GNAL):c.1242G>A (p.Thr414=)

Gene: GNAL (G protein subunit alpha L; plus strand). Cytogenetic location: 18p11.21.
Variant type: single nucleotide variant.
Coding change: c.1242G>A on transcript NM_182978.4 (MANE Select); coding-DNA position 1242, G replaced by A.
Protein change: p.Thr414=; no amino-acid change (threonine 414 retained).
Molecular consequence: synonymous variant.
Genome position (GRCh38, 1-based): chr18:11,881,000, G>A. VCF-style: chr18-11881000-G-A. GRCh37 (hg19) VCF-style: chr18-11880999-G-A.
Other names: c.1011G>A, p.Thr337= (NM_001142339.3, NM_001261443.2, NM_001369387.1); c.390G>A, p.Thr130= (NM_001261444.2); c.1011G>A (NM_001142339.2).
Identifiers: ClinVar variation 1136939 (VCV001136939.32), dbSNP rs746050895, ClinGen allele CA8894260.

ClinVar aggregate classification (germline): Likely benign. Review status: criteria provided, multiple submitters, no conflicts (2 of 4 stars). 3 submissions from 3 submitters: Likely benign (2). 1 of the submissions does not count toward it. Last evaluated 2025-05-24.

Conditions:
GNAL-related disorder. Also called: GNAL-related condition.
Dystonic disorder. Also called: Dystonia. Identifiers: MedGen C0013421, MONDO:0003441, HP:0001332.

Allele frequency attached by ClinVar (database versions not stated): gnomAD exomes 0.00010 and 0.00012; TOPMed 0.00011; ExAC 0.00008; gnomAD 0.00009.
gnomAD v4.1: 194 of 1,613,850 alleles (0.012%); highest among the groups gnomAD compares: East Asian, 0.018%; no homozygotes.

Submissions (3):

Labcorp Genetics (formerly Invitae), Labcorp
Classification: Likely benign for Dystonic disorder. Last evaluated: 2025-05-24. Review status: criteria provided, single submitter. Criteria: Invitae Variant Classification Sherloc (09022015). Collection method: clinical testing. Allele origin: germline.

CeGaT Center for Human Genetics Tuebingen
Classification: Likely benign. Last evaluated: 2023-12-01. Review status: criteria provided, single submitter. Criteria: CeGaT Center For Human Genetics Tuebingen Variant Classification Criteria Version 2. Collection method: clinical testing. Allele origin: germline. Affected: yes. Observed: 1 variant allele.
Comment: GNAL: BP4, BP7

PreventionGenetics, part of Exact Sciences
Classification: Likely benign for GNAL-related condition. Last evaluated: 2020-01-08. Review status: no assertion criteria provided. Collection method: clinical testing. Allele origin: germline. Not counted in ClinVar's aggregate classification.
Comment: This variant is classified as likely benign based on ACMG/AMP sequence variant interpretation guidelines (Richards et al. 2015 PMID: 25741868, with internal and published modifications).